The following is an entry in ClinVar:

NM_052945.4(TNFRSF13C):c.11G>A (p.Gly4Glu)

Genes: TNFRSF13C (TNF receptor superfamily member 13C; minus strand), LOC130067574 (ATAC-STARR-seq lymphoblastoid silent region 13813; plus strand). Cytogenetic location: 22q13.2.
Variant type: single nucleotide variant.
Coding change: c.11G>A on transcript NM_052945.4 (MANE Select); coding-DNA position 11, G replaced by A.
Protein change: p.Gly4Glu; replaces glycine 4 with glutamic acid.
Molecular consequence: missense variant.
Genome position (GRCh38, 1-based): chr22:41,926,763, C>T on the plus strand (G>A on the coding strand, the complement: TNFRSF13C is on the minus strand). VCF-style: chr22-41926763-C-T. GRCh37 (hg19) VCF-style: chr22-42322767-C-T.
Other names: short protein forms G4E.
Identifiers: ClinVar variation 1060107 (VCV001060107.9), dbSNP rs2077635455, ClinGen allele CA411763948.

ClinVar aggregate classification (germline): Uncertain significance (1 of 4 stars; one submission).

Conditions:
Immunodeficiency, common variable, 4. Also called: ANTIBODY DEFICIENCY DUE TO BAFFR DEFECT. Identifiers: Orphanet 1572, Orphanet 696925, MedGen C3150739, MONDO:0013284, OMIM 613494.

Allele frequency attached by ClinVar (database versions not stated): TOPMed 0.00001.
gnomAD v4.1: 3 of 1,355,188 alleles (0.00022%); highest among the groups gnomAD compares: Middle Eastern, 0.027%; no homozygotes.

Submission:

Labcorp Genetics (formerly Invitae), Labcorp
Classification: Uncertain significance for Immunodeficiency, common variable, 4. Last evaluated: 2025-01-28. Review status: criteria provided, single submitter. Criteria: Invitae Variant Classification Sherloc (09022015). Collection method: clinical testing. Allele origin: germline.
Comment: This sequence change replaces glycine, which is neutral and non-polar, with glutamic acid, which is acidic and polar, at codon 4 of the TNFRSF13C protein (p.Gly4Glu). This variant is not present in population databases (gnomAD no frequency). This variant has not been reported in the literature in individuals affected with TNFRSF13C-related conditions. ClinVar contains an entry for this variant (Variation ID: 1060107). An algorithm developed to predict the effect of missense changes on protein structure and function outputs the following: PolyPhen-2: "Possibly Damaging". The glutamic acid amino acid residue is found in multiple mammalian species, which suggests that this missense change does not adversely affect protein function. In summary, the available evidence is currently insufficient to determine the role of this variant in disease. Therefore, it has been classified as a Variant of Uncertain Significance.